The following is an entry in ClinVar:

NM_017654.4(SAMD9):c.47A>G (p.Lys16Arg)

Gene: SAMD9 (sterile alpha motif domain containing 9; minus strand). Cytogenetic location: 7q21.2.
Variant type: single nucleotide variant.
Coding change: c.47A>G on transcript NM_017654.4 (MANE Select); coding-DNA position 47, A replaced by G.
Protein change: p.Lys16Arg; replaces lysine 16 with arginine.
Molecular consequence: missense variant.
Genome position (GRCh38, 1-based): chr7:93,106,051, T>C on the plus strand (A>G on the coding strand, the complement: SAMD9 is on the minus strand). VCF-style: chr7-93106051-T-C. GRCh37 (hg19) VCF-style: chr7-92735364-T-C.
Other names: c.47A>G, p.Lys16Arg (NM_001193307.2); short protein forms K16R.
Identifiers: ClinVar variation 4843131 (VCV004843131.1).

ClinVar aggregate classification (germline): Uncertain significance (1 of 4 stars; one submission).

Conditions:
Inborn genetic diseases. Identifiers: MedGen C0950123, MeSH D030342.

gnomAD v4.1: 1 of 1,593,926 alleles (0.000063%); highest among the groups gnomAD compares: Non-Finnish European, 0.000085%; no homozygotes.

Submission:

Ambry Genetics
Classification: Uncertain significance for Inborn genetic diseases. Last evaluated: 2026-01-05. Review status: criteria provided, single submitter. Criteria: Ambry Variant Classification Scheme 2023. Collection method: clinical testing. Allele origin: germline.
Comment: The p.K16R variant (also known as c.47A>G), located in coding exon 1 of the SAMD9 gene, results from an A to G substitution at nucleotide position 47. The lysine at codon 16 is replaced by arginine, an amino acid with highly similar properties. This amino acid position is conserved. In addition, this alteration is predicted to be tolerated by in silico analysis. Based on the available evidence, the clinical significance of this variant remains unclear.